The following is an entry in ClinVar:

NM_001130438.3(SPTAN1):c.1694G>A (p.Arg565His)

Gene: SPTAN1 (spectrin alpha, non-erythrocytic 1; plus strand). Cytogenetic location: 9q34.11.
Variant type: single nucleotide variant.
Coding change: c.1694G>A on transcript NM_001130438.3 (MANE Select); coding-DNA position 1694, G replaced by A.
Protein change: p.Arg565His; replaces arginine 565 with histidine.
Molecular consequence: missense variant.
Genome position (GRCh38, 1-based): chr9:128,582,737, G>A. VCF-style: chr9-128582737-G-A. GRCh37 (hg19) VCF-style: chr9-131345016-G-A.
Other names: c.1694G>A, p.Arg565His (NM_001195532.2, NM_001363759.2, NM_001363765.2 and 5 more transcripts); c.1730G>A, p.Arg577His (NM_001375312.2, NM_001375318.1); short protein forms R565H, R577H.
Identifiers: ClinVar variation 2082058 (VCV002082058.4), dbSNP rs376897533, ClinGen allele CA5264492.
Genomic context (GRCh38, chr9:128,582,737, plus strand): 5'-GGATCCTTGTCTTTCAGCTGTTGAGCCGCCGCAATGCCCTTCACGAGAGAGCCATGCGTC[G>A]CCGGGCCCAGCTAGCCGATTCTTTCCATCTGCAGCAGTTTTTCCGTGATTCTGATGAGCT-3'
Protein context (NP_001123910.1, residues 555-575): RNALHERAMR[Arg565His]RAQLADSFHL

ClinVar aggregate classification (germline): Uncertain significance (1 of 4 stars; one submission).

Conditions:
Early-infantile DEE. Also called: Ohtahara syndrome; Early infantile epileptic encephalopathy with suppression bursts; Early infantile epileptic encephalopathy. Identifiers: Orphanet 1934, MedGen C0393706, MONDO:0800491.

Allele frequency attached by ClinVar (database versions not stated): gnomAD exomes below 0.00001; TOPMed 0.00002; ExAC 0.00003; ESP Exome Variant Server 0.00015; gnomAD 0.00001.
gnomAD v4.1: 7 of 1,613,798 alleles (0.00043%); highest among the groups gnomAD compares: East Asian, 0.0022%; no homozygotes.

Submission:

Labcorp Genetics (formerly Invitae), Labcorp
Classification: Uncertain significance for Early-infantile DEE. Last evaluated: 2024-11-19. Review status: criteria provided, single submitter. Criteria: Invitae Variant Classification Sherloc (09022015). Collection method: clinical testing. Allele origin: germline.
Comment: This sequence change replaces arginine, which is basic and polar, with histidine, which is basic and polar, at codon 565 of the SPTAN1 protein (p.Arg565His). This variant is present in population databases (rs376897533, gnomAD 0.007%). This variant has not been reported in the literature in individuals affected with SPTAN1-related conditions. ClinVar contains an entry for this variant (Variation ID: 2082058). Invitae Evidence Modeling of protein sequence and biophysical properties (such as structural, functional, and spatial information, amino acid conservation, physicochemical variation, residue mobility, and thermodynamic stability) has been performed for this missense variant. However, the output from this modeling did not meet the statistical confidence thresholds required to predict the impact of this variant on SPTAN1 protein function. In summary, the available evidence is currently insufficient to determine the role of this variant in disease. Therefore, it has been classified as a Variant of Uncertain Significance.